The following is an entry in ClinVar:

ClinVar aggregate classification (germline): Uncertain significance. Review status: criteria provided, multiple submitters, no conflicts (2 of 4 stars). 5 submissions from 5 submitters: Uncertain significance (4). 1 of the submissions does not count toward it. Last evaluated 2024-12-02.

Conditions:
Inborn genetic diseases. Identifiers: MedGen C0950123, MeSH D030342.
Fanconi anemia (FA). Also called: Fanconi's anemia. Identifiers: Orphanet 84, MedGen C0015625, MeSH D005199, MONDO:0019391.
Fanconi anemia complementation group A (FANCA). Also called: FANCA-Related Fanconi Anemia; Fanconi anemia, group A. Identifiers: Orphanet 84, MedGen C3469521, MONDO:0009215, OMIM 227650.

Allele frequency attached by ClinVar (database versions not stated): TOPMed 0.00002; ExAC 0.00005; ESP Exome Variant Server 0.00015.
gnomAD v4.1: 38 of 1,614,068 alleles (0.0024%); highest among the groups gnomAD compares: Non-Finnish European, 0.003%; no homozygotes.

Submissions (5):

Labcorp Genetics (formerly Invitae), Labcorp
Classification: Uncertain significance for Fanconi anemia. Last evaluated: 2024-12-02. Review status: criteria provided, single submitter. Criteria: Invitae Variant Classification Sherloc (09022015). Collection method: clinical testing. Allele origin: germline.
Comment: This sequence change replaces glutamic acid, which is acidic and polar, with glutamine, which is neutral and polar, at codon 1240 of the FANCA protein (p.Glu1240Gln). This variant is present in population databases (rs150719428, gnomAD 0.009%). This variant has not been reported in the literature in individuals affected with FANCA-related conditions. ClinVar contains an entry for this variant (Variation ID: 408189). Invitae Evidence Modeling of protein sequence and biophysical properties (such as structural, functional, and spatial information, amino acid conservation, physicochemical variation, residue mobility, and thermodynamic stability) indicates that this missense variant is not expected to disrupt FANCA protein function with a negative predictive value of 95%. In summary, the available evidence is currently insufficient to determine the role of this variant in disease. Therefore, it has been classified as a Variant of Uncertain Significance.

Ambry Genetics
Classification: Uncertain significance for Inborn genetic diseases. Last evaluated: 2024-11-20. Review status: criteria provided, single submitter. Criteria: Ambry Variant Classification Scheme 2023. Collection method: clinical testing. Allele origin: germline.
Comment: The p.E1240Q variant (also known as c.3718G>C), located in coding exon 37 of the FANCA gene, results from a G to C substitution at nucleotide position 3718. The glutamic acid at codon 1240 is replaced by glutamine, an amino acid with highly similar properties. This amino acid position is conserved. In addition, this alteration is predicted to be tolerated by in silico analysis. Based on the available evidence, the clinical significance of this variant remains unclear.

Quest Diagnostics Nichols Institute San Juan Capistrano
Classification: Uncertain significance. Last evaluated: 2023-08-09. Review status: criteria provided, single submitter. Criteria: Quest Diagnostics criteria. Collection method: clinical testing. Allele origin: unknown.
Comment: This variant has not been reported in the published literature. The frequency of this variant in the general population, 0.000088 (10/113748 chromosomes (Genome Aggregation Database)), is uninformative in the assessment of its pathogenicity. Analysis of this variant using bioinformatics tools for the prediction of the effect of amino acid changes on protein structure and function yielded predictions that this variant is benign. Based on the available information, we are unable to determine the clinical significance of this variant.

Fulgent Genetics
Classification: Uncertain significance for Fanconi anemia complementation group A. Last evaluated: 2022-03-22. Review status: criteria provided, single submitter. Criteria: ACMG Guidelines, 2015. Collection method: clinical testing. Allele origin: unknown.

Natera, Inc.
Classification: Uncertain significance for Fanconi anemia. Last evaluated: 2020-12-21. Review status: no assertion criteria provided. Collection method: clinical testing. Allele origin: germline. Not counted in ClinVar's aggregate classification.

NM_000135.4(FANCA):c.3718G>C (p.Glu1240Gln)

Gene: FANCA (FA complementation group A; minus strand). Cytogenetic location: 16q24.3.
Variant type: single nucleotide variant.
Coding change: c.3718G>C on transcript NM_000135.4 (MANE Select); coding-DNA position 3718, G replaced by C.
Protein change: p.Glu1240Gln; replaces glutamic acid 1240 with glutamine.
Molecular consequence: missense variant.
Genome position (GRCh38, 1-based): chr16:89,742,847, C>G on the plus strand (G>C on the coding strand, the complement: FANCA is on the minus strand). VCF-style: chr16-89742847-C-G. GRCh37 (hg19) VCF-style: chr16-89809255-C-G.
Other names: c.3718G>C (LRG_495t1, NM_000135.3); c.3718G>C, p.Glu1240Gln (NM_001286167.3); short protein forms E1240Q.
Identifiers: ClinVar variation 408189 (VCV000408189.12), dbSNP rs150719428, ClinGen allele CA8251011.